The following is an entry in ClinVar:

ClinVar aggregate classification (germline): Uncertain significance. Review status: criteria provided, multiple submitters, no conflicts (2 of 4 stars). 3 submissions from 3 submitters: Uncertain significance (3). Last evaluated 2024-10-02.

Conditions:
Inborn genetic diseases. Identifiers: MedGen C0950123, MeSH D030342.

Allele frequency attached by ClinVar (database versions not stated): gnomAD exomes below 0.00001; TOPMed 0.00001; gnomAD 0.00002; ESP Exome Variant Server 0.00008.
gnomAD v4.1: 6 of 1,614,042 alleles (0.00037%); highest among the groups gnomAD compares: African/African-American, 0.0013%; no homozygotes.

Submissions (3):

Blueprint Genetics
Classification: Uncertain significance. Last evaluated: 2024-10-02. Review status: criteria provided, single submitter. Criteria: ACMG Guidelines, 2015. Collection method: clinical testing. Allele origin: germline.

Ambry Genetics
Classification: Uncertain significance for Inborn genetic diseases. Last evaluated: 2024-01-02. Review status: criteria provided, single submitter. Criteria: Ambry Variant Classification Scheme 2023. Collection method: clinical testing. Allele origin: germline.

Labcorp Genetics (formerly Invitae), Labcorp
Classification: Uncertain significance. Last evaluated: 2022-04-01. Review status: criteria provided, single submitter. Criteria: Invitae Variant Classification Sherloc (09022015). Collection method: clinical testing. Allele origin: germline.
Comment: This sequence change replaces methionine, which is neutral and non-polar, with threonine, which is neutral and polar, at codon 2901 of the USH2A protein (p.Met2901Thr). This variant is not present in population databases (gnomAD no frequency). This variant has not been reported in the literature in individuals affected with USH2A-related conditions. Algorithms developed to predict the effect of missense changes on protein structure and function (SIFT, PolyPhen-2, Align-GVGD) all suggest that this variant is likely to be tolerated. In summary, the available evidence is currently insufficient to determine the role of this variant in disease. Therefore, it has been classified as a Variant of Uncertain Significance.

NM_206933.4(USH2A):c.8702T>C (p.Met2901Thr)

Gene: USH2A (usherin; minus strand). Cytogenetic location: 1q41.
Variant type: single nucleotide variant.
Coding change: c.8702T>C on transcript NM_206933.4 (MANE Select); coding-DNA position 8702, T replaced by C.
Protein change: p.Met2901Thr; replaces methionine 2901 with threonine.
Molecular consequence: missense variant.
Genome position (GRCh38, 1-based): chr1:215,867,150, A>G on the plus strand (T>C on the coding strand, the complement: USH2A is on the minus strand). VCF-style: chr1-215867150-A-G. GRCh37 (hg19) VCF-style: chr1-216040492-A-G.
Other names: c.8702T>C (NM_206933.2); short protein forms M2901T.
Identifiers: ClinVar variation 2164264 (VCV002164264.3), dbSNP rs367653006, ClinGen allele CA37459530.